The following is an entry in ClinVar:

ClinVar aggregate classification (germline): Likely benign (1 of 4 stars; one submission).

gnomAD v4.1: 641 of 1,482,188 alleles (0.043%); highest among the groups gnomAD compares: African/African-American, 0.74%; 5 homozygotes.

Submission:

CeGaT Center for Human Genetics Tuebingen
Classification: Likely benign. Last evaluated: 2026-05-01. Review status: criteria provided, single submitter. Criteria: CeGaT Center For Human Genetics Tuebingen Variant Classification Criteria Version 2. Collection method: clinical testing. Allele origin: germline. Affected: yes. Observed: 4 variant alleles.
Comment: DSP: BS2

NM_004415.4(DSP):c.170+101G>A

Genes: DSP (desmoplakin; plus strand), DSP-AS1 (DSP antisense RNA 1; minus strand). Cytogenetic location: 6p24.3.
Variant type: single nucleotide variant.
Coding change: c.170+101G>A on transcript NM_004415.4 (MANE Select); 101 bases into the intron after coding-DNA position 170, G replaced by A.
Molecular consequence: intron variant.
Genome position (GRCh38, 1-based): chr6:7,542,186, G>A. VCF-style: chr6-7542186-G-A. GRCh37 (hg19) VCF-style: chr6-7542419-G-A.
Other names: c.170+101G>A (NM_001319034.2, NM_001008844.3, NM_001406591.1).
Identifiers: ClinVar variation 4281295 (VCV004281295.7).
Genomic context (GRCh38, chr6:7,542,186, plus strand): 5'-GGACAGGGAGGGACCGTCCTCCTCTGGACGACTGGGAGACTCGGGTCCCGAAGGTGGAAA[G>A]GTTTTTTTGCCCCAGGTCCCGAAAGAACTTCCCGGCCGCGCTGGGAGCAGGACCGGGTGT-3'